The following is an entry in ClinVar:

NM_001080449.3(DNA2):c.1362G>A (p.Ser454=)

Gene: DNA2 (DNA replication helicase/nuclease 2; minus strand). Cytogenetic location: 10q21.3.
Variant type: single nucleotide variant.
Coding change: c.1362G>A on transcript NM_001080449.3 (MANE Select); coding-DNA position 1362, G replaced by A.
Protein change: p.Ser454=; no amino-acid change (serine 454 retained).
Molecular consequence: synonymous variant. On other transcripts: non-coding transcript variant (1).
Genome position (GRCh38, 1-based): chr10:68,442,970, C>T on the plus strand (G>A on the coding strand, the complement: DNA2 is on the minus strand). VCF-style: chr10-68442970-C-T. GRCh37 (hg19) VCF-style: chr10-70202727-C-T.
Identifiers: ClinVar variation 380533 (VCV000380533.15), dbSNP rs74537378, ClinGen allele CA5525093.

ClinVar aggregate classification (germline): Benign. Review status: criteria provided, multiple submitters, no conflicts (2 of 4 stars). 4 submissions from 4 submitters: Benign (3). 1 of the submissions does not count toward it. Last evaluated 2026-02-02.

Allele frequency attached by ClinVar (database versions not stated): gnomAD exomes 0.00256 and 0.00631; ExAC 0.00901; gnomAD 0.02566 and 0.02747; ESP Exome Variant Server 0.02888; 1000 Genomes Project 0.02935; TOPMed 0.02997; 1000 Genomes Project 30x 0.03076.
gnomAD v4.1: 7,826 of 1,612,490 alleles (0.49%); highest among the groups gnomAD compares: African/African-American, 9.1%; 315 homozygotes.

Submissions (4):

Labcorp Genetics (formerly Invitae), Labcorp
Classification: Benign. Last evaluated: 2026-02-02. Review status: criteria provided, single submitter. Criteria: Invitae Variant Classification Sherloc (09022015). Collection method: clinical testing. Allele origin: germline.

GeneDx
Classification: Benign. Last evaluated: 2016-05-05. Review status: criteria provided, single submitter. Criteria: GeneDx Variant Classification (06012015). Collection method: clinical testing. Allele origin: germline. Affected: yes.
Comment: This variant is considered likely benign or benign based on one or more of the following criteria: it is a conservative change, it occurs at a poorly conserved position in the protein, it is predicted to be benign by multiple in silico algorithms, and/or has population frequency not consistent with disease.

Breakthrough Genomics
Classification: Benign. Review status: criteria provided, single submitter. Criteria: ACMG Guidelines, 2015. Collection method: not provided. Allele origin: germline. Inheritance: Autosomal recessive inheritance. Affected: yes.

Mayo Clinic Laboratories, Mayo Clinic
Classification: Benign. Last evaluated: 2016-02-29. Review status: no assertion criteria provided. Collection method: clinical testing. Allele origin: unknown. Not counted in ClinVar's aggregate classification.